The following is an entry in ClinVar:

ClinVar aggregate classification (germline): Uncertain significance (1 of 4 stars; one submission).

Conditions:
Inborn genetic diseases. Identifiers: MedGen C0950123, MeSH D030342.

Allele frequency attached by ClinVar (database versions not stated): TOPMed below 0.00001; gnomAD 0.00001; gnomAD exomes 0.00001.
gnomAD v4.1: 9 of 1,613,748 alleles (0.00056%); highest among the groups gnomAD compares: Non-Finnish European, 0.00076%; no homozygotes.

Submission:

Ambry Genetics
Classification: Uncertain significance for Inborn genetic diseases. Last evaluated: 2021-09-20. Review status: criteria provided, single submitter. Criteria: Ambry Variant Classification Scheme 2023. Collection method: clinical testing. Allele origin: germline.
Comment: The p.G2046R variant (also known as c.6136G>C), located in coding exon 42 of the LRRK2 gene, results from a G to C substitution at nucleotide position 6136. The glycine at codon 2046 is replaced by arginine, an amino acid with dissimilar properties. This amino acid position is conserved. In addition, this alteration is predicted to be deleterious by in silico analysis. Since supporting evidence is limited at this time, the clinical significance of this alteration remains unclear.

NM_198578.4(LRRK2):c.6136G>C (p.Gly2046Arg)

Gene: LRRK2 (leucine rich repeat kinase 2; plus strand). Cytogenetic location: 12q12.
Variant type: single nucleotide variant.
Coding change: c.6136G>C on transcript NM_198578.4 (MANE Select); coding-DNA position 6136, G replaced by C.
Protein change: p.Gly2046Arg; replaces glycine 2046 with arginine.
Molecular consequence: missense variant.
Genome position (GRCh38, 1-based): chr12:40,346,779, G>C. VCF-style: chr12-40346779-G-C. GRCh37 (hg19) VCF-style: chr12-40740581-G-C.
Other names: short protein forms G2046R.
Identifiers: ClinVar variation 1751810 (VCV001751810.2), dbSNP rs1203058129, ClinGen allele CA384405385.